The following is an entry in ClinVar:

ClinVar aggregate classification (germline): Benign. Review status: criteria provided, single submitter (1 of 4 stars). 2 submissions from 2 submitters: Benign (1). 1 of the submissions does not count toward it. Last evaluated 2019-12-31.

Conditions:
SEMA3D-related disorder. Also called: SEMA3D-related condition.

Allele frequency attached by ClinVar (database versions not stated): gnomAD exomes 0.00053 and 0.00139; ExAC 0.00161; gnomAD 0.00582 and 0.00622; ESP Exome Variant Server 0.00631; TOPMed 0.00680; 1000 Genomes Project 0.00879; 1000 Genomes Project 30x 0.00953.
gnomAD v4.1: 1,682 of 1,612,100 alleles (0.1%); highest among the groups gnomAD compares: African/African-American, 2%; 11 homozygotes.

Submissions (2):

Labcorp Genetics (formerly Invitae), Labcorp
Classification: Benign. Last evaluated: 2019-12-31. Review status: criteria provided, single submitter. Criteria: Invitae Variant Classification Sherloc (09022015). Collection method: clinical testing. Allele origin: germline.

PreventionGenetics, part of Exact Sciences
Classification: Benign for SEMA3D-related condition. Last evaluated: 2019-06-05. Review status: no assertion criteria provided. Collection method: clinical testing. Allele origin: germline. Not counted in ClinVar's aggregate classification.
Comment: This variant is classified as benign based on ACMG/AMP sequence variant interpretation guidelines (Richards et al. 2015 PMID: 25741868, with internal and published modifications).

NM_001384900.1(SEMA3D):c.339G>A (p.Arg113=)

Gene: SEMA3D (semaphorin 3D; minus strand). Cytogenetic location: 7q21.11.
Variant type: single nucleotide variant.
Coding change: c.339G>A on transcript NM_001384900.1 (MANE Select); coding-DNA position 339, G replaced by A.
Protein change: p.Arg113=; no amino-acid change (arginine 113 retained).
Molecular consequence: synonymous variant.
Genome position (GRCh38, 1-based): chr7:85,081,553, C>T on the plus strand (G>A on the coding strand, the complement: SEMA3D is on the minus strand). VCF-style: chr7-85081553-C-T. GRCh37 (hg19) VCF-style: chr7-84710869-C-T.
Other names: c.339G>A, p.Arg113= (NM_001384901.1, NM_001384902.1, NM_001384903.1 and 1 more transcripts).
Identifiers: ClinVar variation 786548 (VCV000786548.6), dbSNP rs41518350, ClinGen allele CA4323776.
Genomic context (GRCh38, chr7:85,081,553, plus strand): 5'-TAATTGTTACAGTTTCATACTTACATTGGCATCTTTCCCAGCTAATTTACATAATTCCAC[C>T]CGTTCCTTTGCAGCAGGCCAATAAATCTGCAAAACATTTCAAAGTATGTTACAACCTGAA-3'
Protein context (NP_001371829.1, residues 103-123): KKIYWPAAKE[Arg113=]VELCKLAGKD